The following is an entry in ClinVar:

ClinVar aggregate classification (germline): Uncertain significance. Review status: criteria provided, multiple submitters, no conflicts (2 of 4 stars). 2 submissions from 2 submitters: Uncertain significance (2). Last evaluated 2025-02-12.

Conditions:
Inborn genetic diseases. Identifiers: MedGen C0950123, MeSH D030342.

Allele frequency attached by ClinVar (database versions not stated): TOPMed 0.00002; gnomAD 0.00001.
gnomAD v4.1: 7 of 1,613,826 alleles (0.00043%); highest among the groups gnomAD compares: Admixed American, 0.012%; no homozygotes.

Submissions (2):

Ambry Genetics
Classification: Uncertain significance for Inborn genetic diseases. Last evaluated: 2025-02-12. Review status: criteria provided, single submitter. Criteria: Ambry Variant Classification Scheme 2023. Collection method: clinical testing. Allele origin: germline.

Labcorp Genetics (formerly Invitae), Labcorp
Classification: Uncertain significance. Last evaluated: 2022-06-18. Review status: criteria provided, single submitter. Criteria: Invitae Variant Classification Sherloc (09022015). Collection method: clinical testing. Allele origin: germline.
Comment: This sequence change replaces glycine, which is neutral and non-polar, with alanine, which is neutral and non-polar, at codon 647 of the DSG1 protein (p.Gly647Ala). This variant is present in population databases (rs768142206, gnomAD 0.01%). This variant has not been reported in the literature in individuals affected with DSG1-related conditions. Algorithms developed to predict the effect of missense changes on protein structure and function are either unavailable or do not agree on the potential impact of this missense change (SIFT: "Tolerated"; PolyPhen-2: "Possibly Damaging"; Align-GVGD: "Class C0"). In summary, the available evidence is currently insufficient to determine the role of this variant in disease. Therefore, it has been classified as a Variant of Uncertain Significance.

NM_001942.4(DSG1):c.1940G>C (p.Gly647Ala)

Genes: DSG1 (desmoglein 1; plus strand), DSG1-AS1 (DSG1 antisense RNA 1; minus strand). Cytogenetic location: 18q12.1.
Variant type: single nucleotide variant.
Coding change: c.1940G>C on transcript NM_001942.4 (MANE Select); coding-DNA position 1940, G replaced by C.
Protein change: p.Gly647Ala; replaces glycine 647 with alanine.
Molecular consequence: missense variant.
Genome position (GRCh38, 1-based): chr18:31,346,038, G>C. VCF-style: chr18-31346038-G-C. GRCh37 (hg19) VCF-style: chr18-28926001-G-C.
Other names: c.1940G>C (NM_001942.2); short protein forms G647A.
Identifiers: ClinVar variation 1445224 (VCV001445224.6), dbSNP rs768142206, ClinGen allele CA8926233.